The following is an entry in ClinVar:

NM_003265.3(TLR3):c.2324C>A (p.Ser775Tyr)

Gene: TLR3 (toll like receptor 3; plus strand). Cytogenetic location: 4q35.1.
Variant type: single nucleotide variant.
Coding change: c.2324C>A on transcript NM_003265.3 (MANE Select); coding-DNA position 2324, C replaced by A.
Protein change: p.Ser775Tyr; replaces serine 775 with tyrosine.
Molecular consequence: missense variant.
Genome position (GRCh38, 1-based): chr4:186,084,010, C>A. VCF-style: chr4-186084010-C-A. GRCh37 (hg19) VCF-style: chr4-187005164-C-A.
Other names: c.2324C>A (NM_003265.2); short protein forms S775Y.
Identifiers: ClinVar variation 1018369 (VCV001018369.10), dbSNP rs759740878, ClinGen allele CA3161550.

ClinVar aggregate classification (germline): Uncertain significance. Review status: criteria provided, multiple submitters, no conflicts (2 of 4 stars). 2 submissions from 2 submitters: Uncertain significance (2). Last evaluated 2026-01-27.

Conditions:
Encephalopathy, acute, infection-induced (herpes-specific), susceptibility to, 1. Also called: Herpes simplex encephalitis, susceptibility to, 1. Identifiers: Orphanet 1930, MedGen C2750180, MONDO:0024563, OMIM 610551.

Allele frequency attached by ClinVar (database versions not stated): ExAC 0.00003; TOPMed 0.00002.
gnomAD v4.1: 46 of 1,613,964 alleles (0.0029%); highest among the groups gnomAD compares: Non-Finnish European, 0.0039%; no homozygotes.

Submissions (2):

Labcorp Genetics (formerly Invitae), Labcorp
Classification: Uncertain significance for Encephalopathy, acute, infection-induced (herpes-specific), susceptibility to, 1. Last evaluated: 2026-01-27. Review status: criteria provided, single submitter. Criteria: Invitae Variant Classification Sherloc (09022015). Collection method: clinical testing. Allele origin: germline.
Comment: This sequence change replaces serine, which is neutral and polar, with tyrosine, which is neutral and polar, at codon 775 of the TLR3 protein (p.Ser775Tyr). This variant is present in population databases (rs759740878, gnomAD 0.005%). This variant has not been reported in the literature in individuals affected with TLR3-related conditions. ClinVar contains an entry for this variant (Variation ID: 1018369). An algorithm developed to predict the effect of missense changes on protein structure and function (PolyPhen-2) suggests that this variant is likely to be tolerated. In summary, the available evidence is currently insufficient to determine the role of this variant in disease. Therefore, it has been classified as a Variant of Uncertain Significance.

Ambry Genetics
Classification: Uncertain significance. Last evaluated: 2025-06-07. Review status: criteria provided, single submitter. Criteria: Ambry Variant Classification Scheme 2023. Collection method: clinical testing. Allele origin: germline.